The following is an entry in ClinVar:

NM_005050.4(ABCD4):c.1326G>A (p.Arg442=)

Gene: ABCD4 (ATP binding cassette subfamily D member 4; minus strand). Cytogenetic location: 14q24.3.
Variant type: single nucleotide variant.
Coding change: c.1326G>A on transcript NM_005050.4 (MANE Select); coding-DNA position 1326, G replaced by A.
Protein change: p.Arg442=; no amino-acid change (arginine 442 retained).
Molecular consequence: synonymous variant. On other transcripts: non-coding transcript variant (10).
Genome position (GRCh38, 1-based): chr14:74,290,292, C>T on the plus strand (G>A on the coding strand, the complement: ABCD4 is on the minus strand). VCF-style: chr14-74290292-C-T. GRCh37 (hg19) VCF-style: chr14-74756995-C-T.
Other names: c.537G>A, p.Arg179= (NM_001353602.2, NM_001353603.2, NM_001353604.2 and 6 more transcripts); c.1200G>A, p.Arg400= (NM_001353591.2, NM_001353592.2); c.1065G>A, p.Arg355= (NM_001353593.2); c.1014G>A, p.Arg338= (NM_001353594.2); c.912G>A, p.Arg304= (NM_001353595.2, NM_001353596.2); c.861G>A, p.Arg287= (NM_001353597.2); c.849G>A, p.Arg283= (NM_001353598.2, NM_001353599.2, NM_001353600.2 and 2 more transcripts); c.1326G>A, p.Arg442= (NM_020325.3).
Identifiers: ClinVar variation 3607112 (VCV003607112.2).

ClinVar aggregate classification (germline): Uncertain significance (1 of 4 stars; one submission).

Conditions:
Methylmalonic acidemia with homocystinuria, type cblJ (MAHCJ). Also called: METHYLMALONIC ACIDURIA AND HOMOCYSTINURIA, cblJ TYPE. Identifiers: Orphanet 369955, MedGen C3553915, MONDO:0013925, OMIM 614857.

gnomAD v4.1: 1 of 1,614,202 alleles (0.000062%); no homozygotes.

Submission:

Labcorp Genetics (formerly Invitae), Labcorp
Classification: Uncertain significance for Methylmalonic acidemia with homocystinuria, type cblJ. Last evaluated: 2024-05-27. Review status: criteria provided, single submitter. Criteria: Invitae Variant Classification Sherloc (09022015). Collection method: clinical testing. Allele origin: germline.
Comment: This sequence change affects codon 442 of the ABCD4 mRNA. It is a 'silent' change, meaning that it does not change the encoded amino acid sequence of the ABCD4 protein. It affects a nucleotide within the consensus splice site. This variant is not present in population databases (gnomAD no frequency). This variant has not been reported in the literature in individuals affected with ABCD4-related conditions. Algorithms developed to predict the effect of sequence changes on RNA splicing suggest that this variant is not likely to affect RNA splicing. In summary, the available evidence is currently insufficient to determine the role of this variant in disease. Therefore, it has been classified as a Variant of Uncertain Significance.